The following is an entry in ClinVar:

NM_005188.4(CBL):c.13G>A (p.Val5Met)

Genes: CBL (Cbl proto-oncogene; plus strand), LOC130006895 (ATAC-STARR-seq lymphoblastoid silent region 3975; plus strand). Cytogenetic location: 11q23.3.
Variant type: single nucleotide variant.
Coding change: c.13G>A on transcript NM_005188.4 (MANE Select); coding-DNA position 13, G replaced by A.
Protein change: p.Val5Met; replaces valine 5 with methionine.
Molecular consequence: missense variant.
Genome position (GRCh38, 1-based): chr11:119,206,430, G>A. VCF-style: chr11-119206430-G-A. GRCh37 (hg19) VCF-style: chr11-119077140-G-A.
Other names: short protein forms V5M.
Identifiers: ClinVar variation 3381406 (VCV003381406.3).

ClinVar aggregate classification (germline): Uncertain significance. Review status: criteria provided, multiple submitters, no conflicts (2 of 4 stars). 2 submissions from 2 submitters: Uncertain significance (2). Last evaluated 2026-09-02.

Conditions:
Cardiovascular phenotype. Identifiers: MedGen CN230736.

Submissions (2):

GeneDx
Classification: Uncertain significance. Last evaluated: 2026-09-02. Review status: criteria provided, single submitter. Criteria: GeneDx Variant Classification Process June 2021. Collection method: clinical testing. Allele origin: germline.
Comment: Has not been previously published as pathogenic or benign to our knowledge; In silico analysis suggests that this missense variant does not alter protein structure/function; Not observed at significant frequency in large population cohorts (gnomAD); This variant is associated with the following publications: (PMID: 18034775)

Ambry Genetics
Classification: Uncertain significance for Cardiovascular phenotype. Last evaluated: 2026-06-14. Review status: criteria provided, single submitter. Criteria: Ambry Variant Classification Scheme 2023. Collection method: clinical testing. Allele origin: germline.
Comment: The p.V5M variant (also known as c.13G>A), located in coding exon 1 of the CBL gene, results from a G to A substitution at nucleotide position 13. The valine at codon 5 is replaced by methionine, an amino acid with highly similar properties. This amino acid position is conserved. In addition, this alteration is predicted to be tolerated by in silico analysis. Based on the available evidence, the clinical significance of this variant remains unclear.